The following is an entry in ClinVar:

ClinVar aggregate classification (germline): Uncertain significance. Review status: criteria provided, multiple submitters, no conflicts (2 of 4 stars). 3 submissions from 3 submitters: Uncertain significance (3). Last evaluated 2025-12-18.

Conditions:
VPS13B-related disorder. Also called: VPS13B-related condition.
Cohen syndrome (COH1). Also called: PEPPER SYNDROME; Cutis verticis gyrata, retinitis pigmentosa, and sensorineural deafness. Identifiers: Orphanet 193, MedGen C0265223, MONDO:0008999, OMIM 216550.
Inborn genetic diseases. Identifiers: MedGen C0950123, MeSH D030342.

Allele frequency attached by ClinVar (database versions not stated): gnomAD 0.00001; gnomAD exomes 0.00001; TOPMed 0.00001.
gnomAD v4.1: 27 of 1,612,870 alleles (0.0017%); highest among the groups gnomAD compares: Non-Finnish European, 0.0018%; no homozygotes.

Submissions (3):

PreventionGenetics, part of Exact Sciences
Classification: Uncertain significance for VPS13B-related condition. Last evaluated: 2025-12-18. Review status: criteria provided, single submitter. Criteria: ACMG Guidelines, 2015. Collection method: clinical testing. Allele origin: germline.
Comment: The VPS13B c.2289C>A variant is predicted to result in the amino acid substitution p.Phe763Leu. To our knowledge, this variant has not been reported in the literature. This variant is reported in 0.0016% of alleles in individuals of European (Non-Finnish) descent in gnomAD. At this time, the clinical significance of this variant is uncertain due to the absence of conclusive functional and genetic evidence.

Ambry Genetics
Classification: Uncertain significance for Inborn genetic diseases. Last evaluated: 2024-12-24. Review status: criteria provided, single submitter. Criteria: Ambry Variant Classification Scheme 2023. Collection method: clinical testing. Allele origin: germline.

Labcorp Genetics (formerly Invitae), Labcorp
Classification: Uncertain significance for Cohen syndrome. Last evaluated: 2022-08-23. Review status: criteria provided, single submitter. Criteria: Invitae Variant Classification Sherloc (09022015). Collection method: clinical testing. Allele origin: germline.
Comment: This sequence change replaces phenylalanine, which is neutral and non-polar, with leucine, which is neutral and non-polar, at codon 763 of the VPS13B protein (p.Phe763Leu). This variant is present in population databases (rs755882379, gnomAD 0.002%). This variant has not been reported in the literature in individuals affected with VPS13B-related conditions. Algorithms developed to predict the effect of missense changes on protein structure and function are either unavailable or do not agree on the potential impact of this missense change (SIFT: "Not Available"; PolyPhen-2: "Benign"; Align-GVGD: "Not Available"). In summary, the available evidence is currently insufficient to determine the role of this variant in disease. Therefore, it has been classified as a Variant of Uncertain Significance.

NM_152564.5(VPS13B):c.2289C>A (p.Phe763Leu)

Gene: VPS13B (vacuolar protein sorting 13 homolog B; plus strand). Cytogenetic location: 8q22.2.
Variant type: single nucleotide variant.
Coding change: c.2289C>A on transcript NM_152564.5 (MANE Select); coding-DNA position 2289, C replaced by A.
Protein change: p.Phe763Leu; replaces phenylalanine 763 with leucine.
Molecular consequence: missense variant.
Genome position (GRCh38, 1-based): chr8:99,170,119, C>A. VCF-style: chr8-99170119-C-A. GRCh37 (hg19) VCF-style: chr8-100182347-C-A.
Other names: c.2289C>A, p.Phe763Leu (NM_015243.3, NM_017890.5); c.2289C>A (NM_017890.3); short protein forms F763L.
Identifiers: ClinVar variation 2144037 (VCV002144037.3), dbSNP rs755882379, ClinGen allele CA182904061.